The following is an entry in ClinVar:

NM_001048174.2(MUTYH):c.1326dup (p.Pro443fs)

Gene: MUTYH (mutY DNA glycosylase; minus strand). Cytogenetic location: 1p34.1.
Variant type: Duplication.
Coding change: c.1326dup on transcript NM_001048174.2 (MANE Select); coding-DNA position 1326, one base duplicated (A; older notation c.1326dupA).
Protein change: p.Pro443fs; shifts the reading frame from proline 443.
Molecular consequence: frameshift variant. On other transcripts: non-coding transcript variant (7).
Genome position (GRCh38, 1-based): chr1:45,331,248, T duplicated on the plus strand (A on the coding strand, the reverse complement: MUTYH is on the minus strand). VCF-style (leftmost placement, unchanged base first): chr1-45331247-G-GT. GRCh37 (hg19) VCF-style: chr1-45796919-G-GT.
Other names: c.1329dup, p.Pro444fs (NM_001407086.1, NM_001048172.2, NM_001407071.1 and 1 more transcripts); c.1347dup, p.Pro450fs (NM_001407087.1); c.1326dup, p.Pro443fs (NM_001407088.1, NM_001407089.1, NM_001048171.2 and 6 more transcripts); c.1050dup, p.Pro351fs (NM_001407091.1, NM_001293192.2, NM_001293196.2); c.1401dup, p.Pro468fs (NM_012222.3); c.1410dup, p.Pro471fs (NM_001128425.2); c.1371dup, p.Pro458fs (NM_001293190.2); c.1359dup, p.Pro454fs (NM_001293191.2, NM_001407069.1, NM_001407077.1); and 5 more; short protein forms P328fs, P351fs, P415fs, P429fs, P430fs, P443fs, P444fs, P450fs.
Identifiers: ClinVar variation 3387075 (VCV003387075.1).

ClinVar aggregate classification (germline): Likely pathogenic (1 of 4 stars; one submission).

Conditions:
Familial adenomatous polyposis 2. Also called: MUTYH Polyposis; COLORECTAL ADENOMATOUS POLYPOSIS, AUTOSOMAL RECESSIVE; ADENOMAS, MULTIPLE COLORECTAL, AUTOSOMAL RECESSIVE; MYH-associated polyposis; MUTYH-associated polyposis; MUTYH-related attenuated familial adenomatous polyposis. Identifiers: Orphanet 220460, Orphanet 247798, MedGen C3272841, MONDO:0012041, OMIM 608456.

Submission:

All of Us Research Program, National Institutes of Health
Classification: Likely pathogenic for Familial adenomatous polyposis 2. Last evaluated: 2024-08-30. Review status: criteria provided, single submitter. Criteria: ACMG Guidelines, 2015. Collection method: clinical testing. Allele origin: germline. Inheritance: Autosomal recessive inheritance. Observed: 1 variant allele, 1 heterozygote.
Comment: This study involves interpretation of variants in research participants for the purpose of population health screening. Participant phenotype was not available at the time of variant classification. Additional details can be found in publication PMID: 35346344, PMCID: PMC8962531